The following is an entry in ClinVar:

NM_030632.3(ASXL3):c.1591A>G (p.Thr531Ala)

Gene: ASXL3 (ASXL transcriptional regulator 3; plus strand). Cytogenetic location: 18q12.1.
Variant type: single nucleotide variant.
Coding change: c.1591A>G on transcript NM_030632.3 (MANE Select); coding-DNA position 1591, A replaced by G.
Protein change: p.Thr531Ala; replaces threonine 531 with alanine.
Molecular consequence: missense variant.
Genome position (GRCh38, 1-based): chr18:33,738,995, A>G. VCF-style: chr18-33738995-A-G. GRCh37 (hg19) VCF-style: chr18-31318959-A-G.
Other names: short protein forms T531A.
Identifiers: ClinVar variation 2366787 (VCV002366787.18), dbSNP rs201237497, ClinGen allele CA8933776.
Genomic context (GRCh38, chr18:33,738,995, plus strand): 5'-ACTTTGCCTCATATTGAAGTTAAGATAGAAGGGAAGTCAGAATCACCCCAGGAAGAAATG[A>G]CAGTTGTTATCGATCAGTTAGAAGTCTGTGACTCTCTTATTCCTTCCACTTCATCTATGA-3'
Protein context (NP_085135.1, residues 521-541): GKSESPQEEM[Thr531Ala]VVIDQLEVCD

ClinVar aggregate classification (germline): Likely benign. Review status: criteria provided, multiple submitters, no conflicts (2 of 4 stars). 2 submissions from 2 submitters: Likely benign (2). Last evaluated 2025-07-01.

Conditions:
Inborn genetic diseases. Identifiers: MedGen C0950123, MeSH D030342.

Allele frequency attached by ClinVar (database versions not stated): gnomAD exomes 0.00013; 1000 Genomes Project 30x 0.00016; gnomAD 0.00017; TOPMed 0.00018; 1000 Genomes Project 0.00020; ExAC 0.00021; ESP Exome Variant Server 0.00049.
gnomAD v4.1: 241 of 1,613,788 alleles (0.015%); highest among the groups gnomAD compares: Admixed American, 0.0083%; no homozygotes.

Submissions (2):

CeGaT Center for Human Genetics Tuebingen
Classification: Likely benign. Last evaluated: 2025-07-01. Review status: criteria provided, single submitter. Criteria: CeGaT Center For Human Genetics Tuebingen Variant Classification Criteria Version 2. Collection method: clinical testing. Allele origin: germline. Affected: yes. Observed: 3 variant alleles.
Comment: ASXL3: BP4

Ambry Genetics
Classification: Likely benign for Inborn genetic diseases. Last evaluated: 2021-09-01. Review status: criteria provided, single submitter. Criteria: Ambry Variant Classification Scheme 2023. Collection method: clinical testing. Allele origin: germline.